The following is an entry in ClinVar:

ClinVar aggregate classification (germline): Pathogenic. Review status: criteria provided, multiple submitters, no conflicts (2 of 4 stars). 2 submissions from 2 submitters: Pathogenic (2). Last evaluated 2025-03-31.

Conditions:
Hereditary spastic paraplegia 4. Also called: Familial spastic paraplegia autosomal dominant 2; Spastic Paraplegia 4; Spastic paraplegia 4, autosomal dominant. Identifiers: Orphanet 100985, MedGen C1866855, MONDO:0008438, OMIM 182601.

gnomAD v4.1: 1 of 1,551,430 alleles (0.000064%); highest among the groups gnomAD compares: South Asian, 0.0012%; no homozygotes.

Submissions (2):

Labcorp Genetics (formerly Invitae), Labcorp
Classification: Pathogenic for Hereditary spastic paraplegia 4. Last evaluated: 2025-03-31. Review status: criteria provided, single submitter. Criteria: Invitae Variant Classification Sherloc (09022015). Collection method: clinical testing. Allele origin: germline.
Comment: This sequence change creates a premature translational stop signal (p.Gln122*) in the SPAST gene. It is expected to result in an absent or disrupted protein product. Loss-of-function variants in SPAST are known to be pathogenic (PMID: 20932283). This variant is not present in population databases (gnomAD no frequency). This premature translational stop signal has been observed in individual(s) with hereditary spastic paraplegias (PMID: 30476002). ClinVar contains an entry for this variant (Variation ID: 805513). For these reasons, this variant has been classified as Pathogenic.

Athena Diagnostics
Classification: Pathogenic. Last evaluated: 2018-11-01. Review status: criteria provided, single submitter. Criteria: Athena Diagnostics Criteria. Collection method: clinical testing. Allele origin: germline.
Comment: The variant creates a premature nonsense codon, and is therefore predicted to significantly disrupt the protein structure. Found in at least one symptomatic patient, and not found in general population data.

Literature cited by the submitters: PubMed 20932283 (cited by Labcorp Genetics (formerly Invitae), Labcorp); PubMed 30476002 (cited by Labcorp Genetics (formerly Invitae), Labcorp).

NM_014946.4(SPAST):c.364C>T (p.Gln122Ter)

Gene: SPAST (spastin; plus strand). Cytogenetic location: 2p22.3.
Variant type: single nucleotide variant.
Coding change: c.364C>T on transcript NM_014946.4 (MANE Select); coding-DNA position 364, C replaced by T.
Protein change: p.Gln122Ter; replaces glutamine 122 with a stop codon.
Molecular consequence: nonsense.
Genome position (GRCh38, 1-based): chr2:32,064,195, C>T. VCF-style: chr2-32064195-C-T. GRCh37 (hg19) VCF-style: chr2-32289264-C-T.
Other names: c.364C>T, p.Gln122Ter (NM_001363823.2, NM_001363875.2, NM_001377959.1 and 1 more transcripts); short protein forms Q122*.
Identifiers: ClinVar variation 805513 (VCV000805513.2), dbSNP rs1233469782, ClinGen allele CA346602403.